The following is an entry in ClinVar:

ClinVar aggregate classification (germline): Likely benign (1 of 4 stars; one submission).

Conditions:
Ellis-van Creveld syndrome (EVC). Also called: EVC-Related Ellis-van Creveld Syndrome; EVC2-Related Ellis-van Creveld Syndrome; MESOECTODERMAL DYSPLASIA; Chondroectodermal dysplasia. Identifiers: Orphanet 289, MedGen C0013903, MONDO:0009162, OMIM 225500.

Allele frequency attached by ClinVar (database versions not stated): gnomAD 0.00106 and 0.00114; TOPMed 0.00133; 1000 Genomes Project 30x 0.00219; 1000 Genomes Project 0.00280.

Submission:

Illumina Laboratory Services, Illumina
Classification: Likely benign for Ellis-van Creveld syndrome. Last evaluated: 2018-01-12. Review status: criteria provided, single submitter. Criteria: ICSL Variant Classification Criteria 13 December 2019. Collection method: clinical testing. Allele origin: germline.
Comment: This variant was observed in the ICSL laboratory as part of a predisposition screen in an ostensibly healthy population. It had not been previously curated by ICSL or reported in the Human Gene Mutation Database (HGMD: prior to June 1st, 2018), and was therefore a candidate for classification through an automated scoring system. Utilizing variant allele frequency, disease prevalence and penetrance estimates, and inheritance mode, an automated score was calculated to assess if this variant is too frequent to cause the disease. Based on the score and internal cut-off values, a variant classified as likely benign is not then subjected to further curation. The score for this variant resulted in a classification of likely benign for this disease.

NM_153717.3(EVC):c.*2493A>G

Gene: EVC (EvC ciliary complex subunit 1; plus strand). Cytogenetic location: 4p16.2.
Variant type: single nucleotide variant.
Coding change: c.*2493A>G on transcript NM_153717.3 (MANE Select); 2493 bases downstream of the stop codon, A replaced by G.
Molecular consequence: 3 prime UTR variant.
Genome position (GRCh38, 1-based): chr4:5,813,530, A>G. VCF-style: chr4-5813530-A-G. GRCh37 (hg19) VCF-style: chr4-5815257-A-G.
Other names: c.*2493A>G (NM_001306090.2).
Identifiers: ClinVar variation 349275 (VCV000349275.5), dbSNP rs188345323, ClinGen allele CA10618098.